The following is an entry in ClinVar:

NM_000049.4(ASPA):c.863A>G (p.Tyr288Cys)

Genes: ASPA (aspartoacylase; plus strand), SPATA22 (spermatogenesis associated 22; minus strand). Cytogenetic location: 17p13.2.
Variant type: single nucleotide variant.
Coding change: c.863A>G on transcript NM_000049.4 (MANE Select); coding-DNA position 863, A replaced by G.
Protein change: p.Tyr288Cys; replaces tyrosine 288 with cysteine.
Molecular consequence: missense variant. On other transcripts: intron variant (2).
Genome position (GRCh38, 1-based): chr17:3,499,009, A>G. VCF-style: chr17-3499009-A-G. GRCh37 (hg19) VCF-style: chr17-3402303-A-G.
Other names: c.863A>G, p.Tyr288Cys (NM_001128085.1); c.-74+14403T>C (NM_001321336.2, NM_001321337.2); short protein forms Y288C.
Identifiers: ClinVar variation 2412812 (VCV002412812.40), dbSNP rs2543658136, ClinGen allele CA397687744.

ClinVar aggregate classification (germline): Likely pathogenic. Review status: criteria provided, single submitter (1 of 4 stars). 2 submissions from 2 submitters: Likely pathogenic (1). 1 of the submissions does not count toward it. Last evaluated 2025-11-19.

Conditions:
Spongy degeneration of central nervous system. Also called: ACY2 DEFICIENCY; AMINOACYLASE 2 DEFICIENCY; ASP DEFICIENCY; ASPA DEFICIENCY; ASPARTOACYLASE DEFICIENCY; CANAVAN-VAN BOGAERT-BERTRAND DISEASE. Identifiers: Orphanet 141, MedGen C0206307, MONDO:0010079, OMIM 271900.

Submissions (2):

Natera, Inc.
Classification: Likely pathogenic for Canavan Disease. Last evaluated: 2025-11-19. Review status: criteria provided, single submitter. Criteria: Natera Variant Classification Schema (03/2026). Collection method: clinical testing. Allele origin: germline.
Comment: The c.863A>G variant in ASPA is a missense variant predicted to cause substitution of tyrosine to cysteine at amino acid 288. This variant is rare in the general population with a frequency below the threshold expected for the associated phenotype(s). This variant has been observed in one or more individuals affected with the associated recessive disease, as either homozygous or compound heterozygous with a second variant (PMID: 14696913, 32975148, 16217711, 38718669, 36401557). Computational prediction algorithms indicate this variant is likely to affect gene or protein function. Given the available evidence, this variant is classified as Likely Pathogenic.

GeneReviews
No classification provided. Condition: Spongy degeneration of central nervous system. Review status: no classification provided. Collection method: literature only. Allele origin: germline. Not counted in ClinVar's aggregate classification.

Literature cited by the submitters: PubMed 14696913 (cited by Natera, Inc.); PubMed 32975148 (cited by Natera, Inc.); PubMed 16217711 (cited by Natera, Inc.); PubMed 38718669 (cited by Natera, Inc.); PubMed 36401557 (cited by Natera, Inc.).